The following is an entry in ClinVar:

NM_005413.4(SIX3):c.581G>C (p.Arg194Pro)

Gene: SIX3 (SIX homeobox 3; plus strand). Cytogenetic location: 2p21.
Variant type: single nucleotide variant.
Coding change: c.581G>C on transcript NM_005413.4 (MANE Select); coding-DNA position 581, G replaced by C.
Protein change: p.Arg194Pro; replaces arginine 194 with proline.
Molecular consequence: missense variant.
Genome position (GRCh38, 1-based): chr2:44,942,685, G>C. VCF-style: chr2-44942685-G-C. GRCh37 (hg19) VCF-style: chr2-45169824-G-C.
Other names: short protein forms R194P.
Identifiers: ClinVar variation 989366 (VCV000989366.4), dbSNP rs1666605262, ClinGen allele CA346799902.
Genomic context (GRCh38, chr2:44,942,685, plus strand): 5'-ACCAGGAGGCCGAGAAGCTGCGCGGCCGCCCACTCGGCCCGGTGGACAAGTACCGCGTGC[G>C]CAAGAAGTTCCCGCTGCCACGCACCATCTGGGACGGCGAGCAGAAGACGCATTGCTTCAA-3'
Protein context (NP_005404.1, residues 184-204): PLGPVDKYRV[Arg194Pro]KKFPLPRTIW

ClinVar aggregate classification (germline): Likely pathogenic (1 of 4 stars; one submission).

Conditions:
Holoprosencephaly 2 (HPE2). Identifiers: Orphanet 2162, MedGen C1834877, MONDO:0007999, OMIM 157170.

Submission:

Illumina Laboratory Services, Illumina
Classification: Likely pathogenic for Holoprosencephaly 2. Last evaluated: 2019-02-22. Review status: criteria provided, single submitter. Criteria: ICSLVariantClassificationCriteria RUGD 01 April 2020. Collection method: clinical testing. Allele origin: unknown.
Comment: The SIX3 c.581G>C (p.Arg194Pro) variant is a missense variant. A literature search was performed for the gene, cDNA change, and amino acid change. No publications were found based on this search. Control data are unavailable for this variant which is not found in the Genome Aggregation Database in a region of good sequencing coverage so the variant is presumed to be rare. The variant is located in the SIX domain of the protein, known to be critical for mediating protein-protein interactions (Kumar et al. 2009). Based on the location of the variant in the SIX domain of the protein, its absence from population frequency databases, missense variants being a common mechanism of disease, a low rate of benign missense variation in the gene, and computational support for pathogenicity of the variant, the p.Arg194Pro variant is classified as likely pathogenic for holoprosencephaly.

Literature cited by the submitters: PubMed 18989625.